The following is an entry in ClinVar:

ClinVar aggregate classification (germline): Benign. Review status: criteria provided, multiple submitters, no conflicts (2 of 4 stars). 5 submissions from 5 submitters: Benign (4). 1 of the submissions does not count toward it. Last evaluated 2026-02-03.

Conditions:
SCN3A-related disorder. Also called: SCN3A-related condition.

Allele frequency attached by ClinVar (database versions not stated): ESP Exome Variant Server 0.01699; 1000 Genomes Project 30x 0.01889; gnomAD exomes 0.00381; ExAC 0.00475; gnomAD 0.01450 and 0.01577; TOPMed 0.01614; 1000 Genomes Project 0.01697.

Submissions (5):

Labcorp Genetics (formerly Invitae), Labcorp
Classification: Benign. Last evaluated: 2026-02-03. Review status: criteria provided, single submitter. Criteria: Invitae Variant Classification Sherloc (09022015). Collection method: clinical testing. Allele origin: germline.

Mayo Clinic Laboratories, Mayo Clinic
Classification: Benign. Last evaluated: 2023-03-19. Review status: criteria provided, single submitter. Criteria: ACMG Guidelines, 2015. Collection method: clinical testing. Allele origin: germline. Observed: 4 variant alleles.

GeneDx
Classification: Benign. Last evaluated: 2021-05-06. Review status: criteria provided, single submitter. Criteria: GeneDx Variant Classification Process June 2021. Collection method: clinical testing. Allele origin: germline. Affected: yes.

Breakthrough Genomics
Classification: Benign. Review status: criteria provided, single submitter. Criteria: ACMG Guidelines, 2015. Collection method: not provided. Allele origin: germline. Inheritance: Autosomal dominant inheritance. Affected: yes.

PreventionGenetics, part of Exact Sciences
Classification: Benign for SCN3A-related condition. Last evaluated: 2019-04-10. Review status: no assertion criteria provided. Collection method: clinical testing. Allele origin: germline. Not counted in ClinVar's aggregate classification.
Comment: This variant is classified as benign based on ACMG/AMP sequence variant interpretation guidelines (Richards et al. 2015 PMID: 25741868, with internal and published modifications).

NM_006922.4(SCN3A):c.4878C>T (p.Ala1626=)

Gene: SCN3A (sodium voltage-gated channel alpha subunit 3; minus strand). Cytogenetic location: 2q24.3.
Variant type: single nucleotide variant.
Coding change: c.4878C>T on transcript NM_006922.4 (MANE Select); coding-DNA position 4878, C replaced by T.
Protein change: p.Ala1626=; no amino-acid change (alanine 1626 retained).
Molecular consequence: synonymous variant.
Genome position (GRCh38, 1-based): chr2:165,091,275, G>A on the plus strand (C>T on the coding strand, the complement: SCN3A is on the minus strand). VCF-style: chr2-165091275-G-A. GRCh37 (hg19) VCF-style: chr2-165947785-G-A.
Other names: p.Ala1626=; c.4731C>T, p.Ala1577= (NM_001081676.2, NM_001081677.2).
Identifiers: ClinVar variation 240712 (VCV000240712.18), dbSNP rs139100138, ClinGen allele CA1938475.